The following is an entry in ClinVar:

NM_016216.4(DBR1):c.397C>A (p.Arg133=)

Gene: DBR1 (debranching RNA lariats 1; minus strand). Cytogenetic location: 3q22.3.
Variant type: single nucleotide variant.
Coding change: c.397C>A on transcript NM_016216.4 (MANE Select); coding-DNA position 397, C replaced by A.
Protein change: p.Arg133=; no amino-acid change (arginine 133 retained).
Molecular consequence: synonymous variant.
Genome position (GRCh38, 1-based): chr3:138,171,639, G>T on the plus strand (C>A on the coding strand, the complement: DBR1 is on the minus strand). VCF-style: chr3-138171639-G-T. GRCh37 (hg19) VCF-style: chr3-137890481-G-T.
Identifiers: ClinVar variation 2023646 (VCV002023646.4), dbSNP rs569272609, ClinGen allele CA2635886.

ClinVar aggregate classification (germline): Uncertain significance (1 of 4 stars; one submission).

gnomAD v4.1: 32 of 1,610,398 alleles (0.002%); highest among the groups gnomAD compares: Non-Finnish European, 0.0027%; no homozygotes.

Submission:

Labcorp Genetics (formerly Invitae), Labcorp
Classification: Uncertain significance. Last evaluated: 2022-05-19. Review status: criteria provided, single submitter. Criteria: Invitae Variant Classification Sherloc (09022015). Collection method: clinical testing. Allele origin: germline.
Comment: In summary, the available evidence is currently insufficient to determine the role of this variant in disease. Therefore, it has been classified as a Variant of Uncertain Significance. Algorithms developed to predict the effect of sequence changes on RNA splicing suggest that this variant may disrupt the consensus splice site. This variant has not been reported in the literature in individuals affected with DBR1-related conditions. This variant is present in population databases (rs569272609, gnomAD 0.002%). This sequence change affects codon 133 of the DBR1 mRNA. It is a 'silent' change, meaning that it does not change the encoded amino acid sequence of the DBR1 protein.